The following is an entry in ClinVar:

NM_001122630.2(CDKN1C):c.462_463delinsGT (p.Ala155Ser)

Gene: CDKN1C (cyclin dependent kinase inhibitor 1C; minus strand). Cytogenetic location: 11p15.4.
Variant type: Indel.
Coding change: c.462_463delinsGT on transcript NM_001122630.2 (MANE Select); coding-DNA positions 462 to 463, CG replaced by GT.
Protein change: p.Ala155Ser; replaces alanine 155 with serine.
Molecular consequence: missense variant. On other transcripts: intron variant (1).
Genome position (GRCh38, 1-based): chr11:2,884,994-2,884,995, CG replaced by AC on the plus strand (CG replaced by GT on the coding strand, the reverse complement: CDKN1C is on the minus strand). VCF-style: chr11-2884994-CG-AC. GRCh37 (hg19) VCF-style: chr11-2906224-CG-AC.
Other names: c.495_496delinsGT, p.Ala166Ser (NM_000076.2, NM_001362474.2); c.462_463delinsGT, p.Ala155Ser (NM_001122631.2); c.255+207_255+208delinsGT (NM_001362475.2); short protein forms A166S, A155S.
Identifiers: ClinVar variation 2745116 (VCV002745116.3), dbSNP rs2494387481, ClinGen allele CA2697548332.
Genomic context (GRCh38, chr11:2,884,994, plus strand): 5'-GAGCCGGGGCCGGGGCCGGGGCCAGGACCGCGACCGCGACCGGAGCCGCGACCGGAGCCG[CG>AC]ACCGGAGCCGGAGCCGGGGCCGGGGCTGGAGCCAGGACCGGGACTGGGGGCGGGGTGGAC-3'
Protein context (NP_001116102.1, residues 145-165): PAPAPAPAPV[Ala155Ser]APVAAPVAVA

ClinVar aggregate classification (germline): Uncertain significance (1 of 4 stars; one submission).

Conditions:
Beckwith-Wiedemann syndrome (BWS). Also called: Exomphalos macroglossia gigantism syndrome; EMG SYNDROME. Identifiers: Orphanet 116, MedGen C0004903, MONDO:0007534, OMIM 130650.

Submission:

Labcorp Genetics (formerly Invitae), Labcorp
Classification: Uncertain significance for Beckwith-Wiedemann syndrome. Last evaluated: 2023-07-19. Review status: criteria provided, single submitter. Criteria: Invitae Variant Classification Sherloc (09022015). Collection method: clinical testing. Allele origin: germline.
Comment: In summary, the available evidence is currently insufficient to determine the role of this variant in disease. Therefore, it has been classified as a Variant of Uncertain Significance. Experimental studies and prediction algorithms are not available or were not evaluated, and the functional significance of this variant is currently unknown. This variant has not been reported in the literature in individuals affected with CDKN1C-related conditions. The frequency data for this variant in the population databases is considered unreliable, as metrics indicate insufficient coverage at this position in the gnomAD database. This sequence change replaces alanine, which is neutral and non-polar, with serine, which is neutral and polar, at codon 166 of the CDKN1C protein (p.Ala166Ser).